The following is an entry in ClinVar:

NM_000180.4(GUCY2D):c.226_239del (p.Ala76fs)

Gene: GUCY2D (guanylate cyclase 2D, retinal; plus strand). Cytogenetic location: 17p13.1.
Variant type: Deletion.
Coding change: c.226_239del on transcript NM_000180.4 (MANE Select); coding-DNA positions 226 to 239, 14 bases deleted (GCCGCCCGCCTGGC).
Protein change: p.Ala76fs; shifts the reading frame from alanine 76.
Molecular consequence: frameshift variant.
Genome position (GRCh38, 1-based): chr17:8,003,273-8,003,286, GCCGCCCGCCTGGC deleted. VCF-style (leftmost placement, unchanged base first): chr17-8003272-GGCCGCCCGCCTGGC-G. GRCh37 (hg19) VCF-style: chr17-7906590-GGCCGCCCGCCTGGC-G.
Other names: NM_000180.4(GUCY2D):c.226_239del; p.Ala76fs; short protein forms A76fs.
Identifiers: ClinVar variation 98562 (VCV000098562.2), dbSNP rs281865410, ClinGen allele CA226074.

ClinVar aggregate classification (germline): Pathogenic. Review status: reviewed by expert panel (3 of 4 stars). 3 submissions from 3 submitters: Pathogenic (1). 2 of the submissions do not count toward it. Last evaluated 2025-01-30.

Conditions:
GUCY2D-related recessive retinopathy. Also called: Recessive GUCY2D retinopathy. Identifiers: MedGen CN305603, MONDO:0100453.
Leber congenital amaurosis 1 (LCA1). Also called: AMAUROSIS CONGENITA OF LEBER I; RETINAL BLINDNESS, CONGENITAL; Congenital absence of the rods and cones; Leber's congenital tapetoretinal degeneration; Leber's congenital tapetoretinal dysplasia. Identifiers: Orphanet 65, MedGen C2931258, MONDO:0008764, OMIM 204000.

Submissions (3):

ClinGen Leber Congenital Amaurosis/early Onset Retinal Dystrophy Variant Curation Expert Panel, ClinGen
Classification: Pathogenic for GUCY2D-related recessive retinopathy. Last evaluated: 2025-01-30. Review status: reviewed by expert panel. Criteria: ClinGen LCAeoRD ACMG Specifications GUCY2D V1.0.0. Collection method: curation. Allele origin: germline. Inheritance: Autosomal recessive inheritance.
Comment: NM_000180.4(GUCY2D):c.226_239del (p.Ala76ArgfsTer?) is a frameshift variant that introduces a premature stop codon into exon 2 of 20, and is predicted to lead to nonsense-mediated decay in a gene in which loss-of-function is an established mechanism of disease (PVS1). This variant is absent from gnomAD v4.1.0 (PM2_Supporting). This variant has been reported in at least 1 unrelated proband with early-onset severe retinal dystrophy who was homozygous for the variant (0.5 points, PMID: 10951519). This variant has also been reported in at least 1 proband with early-onset severe retinal dystrophy who was compound heterozygous with the c.389del, p.Pro130Leufs*36 variant confirmed in trans (1 point, PMID: 37327959), which was previously classified Pathogenic by the ClinGen LCA / eoRD VCEP (1.5 total points, PM3). In summary, this variant meets the criteria to be classified as Pathogenic for GUCY2D-related recessive retinopathy based on the ACMG/AMP criteria applied, as specified by the ClinGen LCA/eoRD VCEP: PVS1, PM3, and PM2_Supporting. (VCEP specifications version 1.0.0; date of approval 01/22/2025).

Laboratory of Genetics in Ophthalmology, Institut Imagine
Classification: Pathogenic for Leber congenital amaurosis 1. Review status: no assertion criteria provided. Collection method: research. Allele origin: inherited. Affected: yes. Observed: 1 variant allele. Not counted in ClinVar's aggregate classification.

Retina International
No classification provided. Review status: no classification provided. Collection method: not provided. Allele origin: not provided. Not counted in ClinVar's aggregate classification.

Literature cited by the submitters: PubMed 10951519 (cited by Laboratory of Genetics in Ophthalmology, Institut Imagine).